The following is an entry in ClinVar:

NM_005909.5(MAP1B):c.6437C>T (p.Pro2146Leu)

Gene: MAP1B (microtubule associated protein 1B; plus strand). Cytogenetic location: 5q13.2.
Variant type: single nucleotide variant.
Coding change: c.6437C>T on transcript NM_005909.5 (MANE Select); coding-DNA position 6437, C replaced by T.
Protein change: p.Pro2146Leu; replaces proline 2146 with leucine.
Molecular consequence: missense variant.
Genome position (GRCh38, 1-based): chr5:72,199,792, C>T. VCF-style: chr5-72199792-C-T. GRCh37 (hg19) VCF-style: chr5-71495619-C-T.
Other names: c.6059C>T, p.Pro2020Leu (NM_001324255.2); short protein forms P2020L, P2146L.
Identifiers: ClinVar variation 3603236 (VCV003603236.1).
Genomic context (GRCh38, chr5:72,199,792, plus strand): 5'-CAGGGGGAGCCCCACCGCCTCCAGGAGGAAAGCAACAGGGCCGACAGTGTGATGAAACCC[C>T]TCCCACCTCAGTCAGCGAGTCAGCCCCATCCCAGACCGACTCTGATGTTCCCCCGGAGAC-3'
Protein context (NP_005900.2, residues 2136-2156): KQQGRQCDET[Pro2146Leu]PTSVSESAPS

ClinVar aggregate classification (germline): Uncertain significance (1 of 4 stars; one submission).

Submission:

GeneDx
Classification: Uncertain significance. Last evaluated: 2024-08-05. Review status: criteria provided, single submitter. Criteria: GeneDx Variant Classification Process June 2021. Collection method: clinical testing. Allele origin: germline. Affected: yes.
Comment: Not observed at significant frequency in large population cohorts (gnomAD); In silico analysis supports that this missense variant has a deleterious effect on protein structure/function; Has not been previously published as pathogenic or benign to our knowledge